The following is an entry in ClinVar:

ClinVar aggregate classification (germline): Uncertain significance. Review status: criteria provided, multiple submitters, no conflicts (2 of 4 stars). 4 submissions from 4 submitters: Uncertain significance (4). Last evaluated 2026-09-10.

Conditions:
Early-infantile DEE. Also called: Early infantile epileptic encephalopathy with suppression bursts; Early infantile epileptic encephalopathy; Ohtahara syndrome. Identifiers: Orphanet 1934, MedGen C0393706, MONDO:0800491.
Inborn genetic diseases. Identifiers: MedGen C0950123, MeSH D030342.

Allele frequency attached by ClinVar (database versions not stated): gnomAD exomes below 0.00001; ExAC 0.00001.
gnomAD v4.1: 3 of 1,613,544 alleles (0.00019%); highest among the groups gnomAD compares: Non-Finnish European, 0.00025%; no homozygotes.

Submissions (4):

Ambry Genetics
Classification: Uncertain significance for Inborn genetic diseases. Last evaluated: 2026-09-10. Review status: criteria provided, single submitter. Criteria: Ambry Variant Classification Scheme 2023. Collection method: clinical testing. Allele origin: germline.
Comment: The c.1699G>A (p.V567I) alteration is located in exon 15 (coding exon 15) of the KCNQ2 gene. This alteration results from a G to A substitution at nucleotide position 1699, causing the valine (V) at amino acid position 567 to be replaced by an isoleucine (I). This variant was not reported in population-based cohorts in the Genome Aggregation Database (gnomAD). Another variant at the same codon, c.1700T>A (p.V567D), has been identified in individual(s) with features consistent with KCNQ2-related seizure disorder (Myers, 2018). This amino acid position is highly conserved in available vertebrate species. This missense variant is located in a region that has a low rate of benign missense variation (Lek, 2016; Firth, 2009). This alteration is predicted to be deleterious by in silico analysis. Based on insufficient or conflicting evidence, the clinical significance of this alteration remains unclear.

GeneDx
Classification: Uncertain significance. Last evaluated: 2024-11-19. Review status: criteria provided, single submitter. Criteria: GeneDx Variant Classification Process June 2021. Collection method: clinical testing. Allele origin: germline. Affected: yes.
Comment: Not observed at significant frequency in large population cohorts (gnomAD); This substitution is predicted to be within the C-terminal cytoplasmic domain; In silico analysis indicates that this missense variant does not alter protein structure/function; Has not been previously published as pathogenic or benign to our knowledge; This variant is associated with the following publications: (PMID: 29694806, 28837158)

Labcorp Genetics (formerly Invitae), Labcorp
Classification: Uncertain significance for Early-infantile DEE. Last evaluated: 2024-05-03. Review status: criteria provided, single submitter. Criteria: Invitae Variant Classification Sherloc (09022015). Collection method: clinical testing. Allele origin: germline.
Comment: This sequence change replaces valine, which is neutral and non-polar, with isoleucine, which is neutral and non-polar, at codon 567 of the KCNQ2 protein (p.Val567Ile). This variant is present in population databases (rs748571840, gnomAD 0.003%). This variant has not been reported in the literature in individuals affected with KCNQ2-related conditions. ClinVar contains an entry for this variant (Variation ID: 1175997). An algorithm developed to predict the effect of missense changes on protein structure and function (PolyPhen-2) suggests that this variant is likely to be disruptive. This variant disrupts the p.Val567 amino acid residue in KCNQ2. Other variant(s) that disrupt this residue have been determined to be pathogenic (PMID: 27888506, 29694806). This suggests that this residue is clinically significant, and that variants that disrupt this residue are likely to be disease-causing. In summary, the available evidence is currently insufficient to determine the role of this variant in disease. Therefore, it has been classified as a Variant of Uncertain Significance.

CeGaT Center for Human Genetics Tuebingen
Classification: Uncertain significance. Last evaluated: 2021-03-01. Review status: criteria provided, single submitter. Criteria: CeGaT Center For Human Genetics Tuebingen Variant Classification Criteria Version 2. Collection method: clinical testing. Allele origin: germline. Affected: yes. Observed: 1 variant allele.

Literature cited by the submitters: PubMed 29694806 (cited by Ambry Genetics and Labcorp Genetics (formerly Invitae), Labcorp); PubMed 27888506 (cited by Labcorp Genetics (formerly Invitae), Labcorp).

NM_172107.4(KCNQ2):c.1699G>A (p.Val567Ile)

Gene: KCNQ2 (potassium voltage-gated channel subfamily Q member 2; minus strand). Cytogenetic location: 20q13.33.
Variant type: single nucleotide variant.
Coding change: c.1699G>A on transcript NM_172107.4 (MANE Select); coding-DNA position 1699, G replaced by A.
Protein change: p.Val567Ile; replaces valine 567 with isoleucine.
Molecular consequence: missense variant.
Genome position (GRCh38, 1-based): chr20:63,413,514, C>T on the plus strand (G>A on the coding strand, the complement: KCNQ2 is on the minus strand). VCF-style: chr20-63413514-C-T. GRCh37 (hg19) VCF-style: chr20-62044867-C-T.
Other names: c.1645G>A, p.Val549Ile (NM_001382235.1, NM_172106.3); c.1615G>A, p.Val539Ile (NM_004518.6); c.1606G>A, p.Val536Ile (NM_172108.5); c.1699G>A (NM_172107.2); short protein forms V536I, V539I, V549I, V567I.
Identifiers: ClinVar variation 1175997 (VCV001175997.38), dbSNP rs748571840, ClinGen allele CA9958325.